The following is an entry in ClinVar:

NM_001377.3(DYNC2H1):c.9918+3A>G

Gene: DYNC2H1 (dynein cytoplasmic 2 heavy chain 1; plus strand). Cytogenetic location: 11q22.3.
Variant type: single nucleotide variant.
Coding change: c.9918+3A>G on transcript NM_001377.3 (MANE Select); 3 bases into the intron after coding-DNA position 9918, A replaced by G.
Molecular consequence: intron variant.
Genome position (GRCh38, 1-based): chr11:103,243,794, A>G. VCF-style: chr11-103243794-A-G. GRCh37 (hg19) VCF-style: chr11-103114523-A-G.
Other names: c.9939+3A>G (NM_001080463.2).
Identifiers: ClinVar variation 2199113 (VCV002199113.1), dbSNP rs374882415, ClinGen allele CA6254826.

ClinVar aggregate classification (germline): Uncertain significance (1 of 4 stars; one submission).

Conditions:
Jeune thoracic dystrophy. Also called: Jeune syndrome; Infantile thoracic dystrophy; Thoracic pelvic phalangeal dystrophy; Jeune's syndrome; Chondroectodermal dysplasia-like syndrome; Short-rib thoracic dysplasia. Identifiers: Orphanet 474, MedGen C0265275, MONDO:0018770.

Allele frequency attached by ClinVar (database versions not stated): ExAC 0.00005; gnomAD 0.00005; TOPMed 0.00005; ESP Exome Variant Server 0.00009.
gnomAD v4.1: 229 of 1,569,902 alleles (0.015%); highest among the groups gnomAD compares: Non-Finnish European, 0.019%; no homozygotes.

Submission:

Labcorp Genetics (formerly Invitae), Labcorp
Classification: Uncertain significance for Jeune thoracic dystrophy. Last evaluated: 2022-01-26. Review status: criteria provided, single submitter. Criteria: Invitae Variant Classification Sherloc (09022015). Collection method: clinical testing. Allele origin: germline.
Comment: This sequence change falls in intron 65 of the DYNC2H1 gene. It does not directly change the encoded amino acid sequence of the DYNC2H1 protein. It affects a nucleotide within the consensus splice site. This variant is present in population databases (rs374882415, gnomAD 0.005%). This variant has not been reported in the literature in individuals affected with DYNC2H1-related conditions. Variants that disrupt the consensus splice site are a relatively common cause of aberrant splicing (PMID: 17576681, 9536098). Algorithms developed to predict the effect of sequence changes on RNA splicing suggest that this variant may disrupt the consensus splice site. In summary, the available evidence is currently insufficient to determine the role of this variant in disease. Therefore, it has been classified as a Variant of Uncertain Significance.

Literature cited by the submitters: PubMed 17576681; PubMed 9536098.